The following is an entry in ClinVar:

ClinVar aggregate classification (germline): Uncertain significance. Review status: criteria provided, multiple submitters, no conflicts (2 of 4 stars). 3 submissions from 3 submitters: Uncertain significance (3). Last evaluated 2025-09-02.

Conditions:
Hereditary cancer-predisposing syndrome. Also called: Tumor predisposition; Neoplastic Syndromes, Hereditary; Hereditary neoplastic syndrome; Hereditary Cancer Syndrome. Identifiers: Orphanet 140162, MedGen C0027672, MeSH D009386, MONDO:0015356.
Ataxia-telangiectasia syndrome (AT). Also called: Ataxia-telangiectasia, complementation group D; AT, COMPLEMENTATION GROUP C; ATAXIA-TELANGIECTASIA, COMPLEMENTATION GROUP A; ATAXIA-TELANGIECTASIA, FRESNO VARIANT; Ataxia-telangiectasia; Ataxia telangiectasia (A-T). Identifiers: Orphanet 100, MedGen C0004135, MONDO:0008840, OMIM 208900.

Allele frequency attached by ClinVar (database versions not stated): gnomAD exomes below 0.00001.
gnomAD v4.1: 1 of 1,613,630 alleles (0.000062%); highest among the groups gnomAD compares: Non-Finnish European, 0.000085%; no homozygotes.

Submissions (3):

Ambry Genetics
Classification: Uncertain significance for Hereditary cancer-predisposing syndrome. Last evaluated: 2025-09-02. Review status: criteria provided, single submitter. Criteria: Ambry Variant Classification Scheme 2023. Collection method: clinical testing. Allele origin: germline.
Comment: The p.F1932L variant (also known as c.5794T>C), located in coding exon 38 of the ATM gene, results from a T to C substitution at nucleotide position 5794. The phenylalanine at codon 1932 is replaced by leucine, an amino acid with highly similar properties. This amino acid position is conserved. In addition, this alteration is predicted to be deleterious by in silico analysis. Based on the available evidence, the clinical significance of this variant remains unclear.

GeneDx
Classification: Uncertain significance. Last evaluated: 2023-04-19. Review status: criteria provided, single submitter. Criteria: GeneDx Variant Classification Process June 2021. Collection method: clinical testing. Allele origin: germline. Affected: yes.
Comment: Not observed at significant frequency in large population cohorts (gnomAD); In silico analysis supports that this missense variant has a deleterious effect on protein structure/function; Has not been previously published as pathogenic or benign to our knowledge

Labcorp Genetics (formerly Invitae), Labcorp
Classification: Uncertain significance for Ataxia-telangiectasia syndrome. Last evaluated: 2021-09-30. Review status: criteria provided, single submitter. Criteria: Invitae Variant Classification Sherloc (09022015). Collection method: clinical testing. Allele origin: germline.
Comment: In summary, the available evidence is currently insufficient to determine the role of this variant in disease. Therefore, it has been classified as a Variant of Uncertain Significance. Algorithms developed to predict the effect of missense changes on protein structure and function are either unavailable or do not agree on the potential impact of this missense change (SIFT: "Deleterious"; PolyPhen-2: "Possibly Damaging"; Align-GVGD: "Class C15"). This variant has not been reported in the literature in individuals affected with ATM-related conditions. This variant is not present in population databases (ExAC no frequency). This sequence change replaces phenylalanine with leucine at codon 1932 of the ATM protein (p.Phe1932Leu). The phenylalanine residue is highly conserved and there is a small physicochemical difference between phenylalanine and leucine.

NM_000051.4(ATM):c.5794T>C (p.Phe1932Leu)

Genes: ATM (ATM serine/threonine kinase; plus strand), C11orf65 (chromosome 11 open reading frame 65; minus strand). Cytogenetic location: 11q22.3.
Variant type: single nucleotide variant.
Coding change: c.5794T>C on transcript NM_000051.4 (MANE Select); coding-DNA position 5794, T replaced by C.
Protein change: p.Phe1932Leu; replaces phenylalanine 1932 with leucine.
Molecular consequence: missense variant. On other transcripts: intron variant (2).
Genome position (GRCh38, 1-based): chr11:108,310,191, T>C. VCF-style: chr11-108310191-T-C. GRCh37 (hg19) VCF-style: chr11-108180918-T-C.
Other names: c.5794T>C, p.Phe1932Leu (NM_001351834.2); c.641-1120A>G (NM_001330368.2); c.*39-1120A>G (NM_001351110.2); short protein forms F1932L.
Identifiers: ClinVar variation 962523 (VCV000962523.11), dbSNP rs2084025775, ClinGen allele CA382548338.
Genomic context (GRCh38, chr11:108,310,191, plus strand): 5'-GAATGACATTATATCTCATTTTTCTTTAGACCTTCTTCAGGAACAATTTTTAATGATGCT[T>C]TCTGGCTGGATTTAAATTATCTAGAAGTTGCCAAGGTAGCTCAGTCTTGTGCTGCTCACT-3'
Protein context (NP_000042.3, residues 1922-1942): PSSGTIFNDA[Phe1932Leu]WLDLNYLEVA